The following is an entry in ClinVar:

ClinVar aggregate classification (germline): Uncertain significance. Review status: criteria provided, multiple submitters, no conflicts (2 of 4 stars). 2 submissions from 2 submitters: Uncertain significance (2). Last evaluated 2025-11-04.

Conditions:
Loeys-Dietz syndrome 2 (LDS2). Also called: TGFBR2-Related Loeys-Dietz Syndrome; Marfan Syndrome type 2; Marfan like connective tissue disorder; MFS 2; Marfan syndrome, type 2 (formerly); AORTIC ANEURYSM, FAMILIAL THORACIC 3. Identifiers: Orphanet 284973, Orphanet 558, MedGen C2674574, MONDO:0012427, OMIM 610168.

Allele frequency attached by ClinVar (database versions not stated): ExAC 0.00002; gnomAD 0.00005; TOPMed 0.00005; ESP Exome Variant Server 0.00008.
gnomAD v4.1: 71 of 1,614,082 alleles (0.0044%); highest among the groups gnomAD compares: African/African-American, 0.0067%; no homozygotes.

Submissions (2):

Labcorp Genetics (formerly Invitae), Labcorp
Classification: Uncertain significance for Loeys-Dietz syndrome 2. Last evaluated: 2025-11-04. Review status: criteria provided, single submitter. Criteria: Invitae Variant Classification Sherloc (09022015). Collection method: clinical testing. Allele origin: germline.
Comment: This sequence change replaces leucine, which is neutral and non-polar, with valine, which is neutral and non-polar, at codon 469 of the TMPO protein (p.Leu469Val). This variant is present in population databases (rs373861992, gnomAD 0.008%). This variant has not been reported in the literature in individuals affected with TMPO-related conditions. ClinVar contains an entry for this variant (Variation ID: 191793). Invitae Evidence Modeling of protein sequence and biophysical properties (such as structural, functional, and spatial information, amino acid conservation, physicochemical variation, residue mobility, and thermodynamic stability) indicates that this missense variant is not expected to disrupt TMPO protein function with a negative predictive value of 80%. In summary, the available evidence is currently insufficient to determine the role of this variant in disease. Therefore, it has been classified as a Variant of Uncertain Significance.

Biesecker Lab/Clinical Genomics Section, National Institutes of Health
Classification: Uncertain significance. Last evaluated: 2013-06-24. Review status: criteria provided, single submitter. Criteria: Ng et al. (Circ Cardiovasc Genet. 2013). Collection method: research. Allele origin: unknown. Observed: 1 variant allele. Study: ClinSeq.
Comment: The study set was not selected for affection status in relation to any cancer. Pathogenicity categories were based on literature curation. See Pubmed ID:23861362 for details.

Medical sequencing

NM_001032283.3(TMPO):c.565+1824C>G

Gene: TMPO (thymopoietin; plus strand). Cytogenetic location: 12q23.1.
Variant type: single nucleotide variant.
Coding change: c.565+1824C>G on transcript NM_001032283.3 (MANE Select); 1824 bases into the intron after coding-DNA position 565, C replaced by G.
Molecular consequence: intron variant. On other transcripts: missense variant (1).
Genome position (GRCh38, 1-based): chr12:98,533,662, C>G. VCF-style: chr12-98533662-C-G. GRCh37 (hg19) VCF-style: chr12-98927440-C-G.
Other names: c.1405C>G, p.Leu469Val (NM_003276.2); c.565+1824C>G (NM_001307975.2, NM_001032284.3); short protein forms L469V.
Identifiers: ClinVar variation 191793 (VCV000191793.10), dbSNP rs373861992, ClinGen allele CA237565.